The following is an entry in ClinVar:

NM_016139.4(CHCHD2):c.391A>G (p.Ile131Val)

Gene: CHCHD2 (coiled-coil-helix-coiled-coil-helix domain containing 2; minus strand). Cytogenetic location: 7p11.2.
Variant type: single nucleotide variant.
Coding change: c.391A>G on transcript NM_016139.4 (MANE Select); coding-DNA position 391, A replaced by G.
Protein change: p.Ile131Val; replaces isoleucine 131 with valine.
Molecular consequence: missense variant.
Genome position (GRCh38, 1-based): chr7:56,102,921, T>C on the plus strand (A>G on the coding strand, the complement: CHCHD2 is on the minus strand). VCF-style: chr7-56102921-T-C. GRCh37 (hg19) VCF-style: chr7-56170614-T-C.
Other names: c.391A>G, p.Ile131Val (NM_001320327.2); short protein forms I131V.
Identifiers: ClinVar variation 2352747 (VCV002352747.3), dbSNP rs1405149162, ClinGen allele CA367612369.

ClinVar aggregate classification (germline): Uncertain significance. Review status: criteria provided, multiple submitters, no conflicts (2 of 4 stars). 2 submissions from 2 submitters: Uncertain significance (2). Last evaluated 2025-08-26.

Allele frequency attached by ClinVar (database versions not stated): gnomAD exomes below 0.00001; gnomAD 0.00002; TOPMed 0.00002.

Submissions (2):

Labcorp Genetics (formerly Invitae), Labcorp
Classification: Uncertain significance. Last evaluated: 2025-08-26. Review status: criteria provided, single submitter. Criteria: Invitae Variant Classification Sherloc (09022015). Collection method: clinical testing. Allele origin: germline.
Comment: This sequence change replaces isoleucine, which is neutral and non-polar, with valine, which is neutral and non-polar, at codon 131 of the CHCHD2 protein (p.Ile131Val). This variant is present in population databases (no rsID available, gnomAD 0.006%). This variant has not been reported in the literature in individuals affected with CHCHD2-related conditions. ClinVar contains an entry for this variant (Variation ID: 2352747). An algorithm developed to predict the effect of missense changes on protein structure and function outputs the following: PolyPhen-2: "Benign". The valine amino acid residue is found in multiple mammalian species, which suggests that this missense change does not adversely affect protein function. In summary, the available evidence is currently insufficient to determine the role of this variant in disease. Therefore, it has been classified as a Variant of Uncertain Significance.

Ambry Genetics
Classification: Uncertain significance. Last evaluated: 2021-09-16. Review status: criteria provided, single submitter. Criteria: Ambry Variant Classification Scheme 2023. Collection method: clinical testing. Allele origin: germline.